The following is an entry in ClinVar:

NM_005751.5(AKAP9):c.11012C>T (p.Ala3671Val)

Gene: AKAP9 (A-kinase anchoring protein 9; plus strand). Cytogenetic location: 7q21.2.
Variant type: single nucleotide variant.
Coding change: c.11012C>T on transcript NM_005751.5 (MANE Select); coding-DNA position 11012, C replaced by T.
Protein change: p.Ala3671Val; replaces alanine 3671 with valine.
Molecular consequence: missense variant.
Genome position (GRCh38, 1-based): chr7:92,100,971, C>T. VCF-style: chr7-92100971-C-T. GRCh37 (hg19) VCF-style: chr7-91730285-C-T.
Other names: c.5657C>T, p.Ala1886Val (NM_001379277.1); c.10988C>T, p.Ala3663Val (NM_147185.3); short protein forms A1886V, A3663V, A3671V.
Identifiers: ClinVar variation 1254386 (VCV001254386.3), dbSNP rs1359148155, ClinGen allele CA368160295.

ClinVar aggregate classification (germline): Uncertain significance. Review status: criteria provided, multiple submitters, no conflicts (2 of 4 stars). 2 submissions from 2 submitters: Uncertain significance (2). Last evaluated 2023-12-22.

Conditions:
Cardiovascular phenotype. Identifiers: MedGen CN230736.

Allele frequency attached by ClinVar (database versions not stated): gnomAD exomes 0.00001 and below 0.00001.
gnomAD v4.1: 21 of 1,614,082 alleles (0.0013%); highest among the groups gnomAD compares: Non-Finnish European, 0.0018%; no homozygotes.

Submissions (2):

Ambry Genetics
Classification: Uncertain significance for Cardiovascular phenotype. Last evaluated: 2023-12-22. Review status: criteria provided, single submitter. Criteria: Ambry Variant Classification Scheme 2023. Collection method: clinical testing. Allele origin: germline.
Comment: The p.A3671V variant (also known as c.11012C>T), located in coding exon 45 of the AKAP9 gene, results from a C to T substitution at nucleotide position 11012. The alanine at codon 3671 is replaced by valine, an amino acid with similar properties. This amino acid position is conserved. In addition, this alteration is predicted to be tolerated by in silico analysis. Since supporting evidence is limited at this time, the clinical significance of this alteration remains unclear.

GeneDx
Classification: Uncertain significance. Last evaluated: 2021-01-15. Review status: criteria provided, single submitter. Criteria: GeneDx Variant Classification Process June 2021. Collection method: clinical testing. Allele origin: germline. Affected: yes.
Comment: Not observed at a significant frequency in large population cohorts (Lek et al., 2016); In silico analysis supports that this missense variant has a deleterious effect on protein structure/function; Has not been previously published as pathogenic or benign to our knowledge